The following is an entry in ClinVar:

ClinVar aggregate classification (germline): Benign/Likely benign. Review status: criteria provided, multiple submitters, no conflicts (2 of 4 stars). 5 submissions from 5 submitters: Benign (1); Likely benign (4). Last evaluated 2026-01-27.

Allele frequency attached by ClinVar (database versions not stated): 1000 Genomes Project 30x 0.00016; 1000 Genomes Project 0.00020; TOPMed 0.00079; gnomAD 0.00119; gnomAD exomes 0.00130; ExAC 0.00170.
gnomAD v4.1: 1,730 of 1,598,960 alleles (0.11%); highest among the groups gnomAD compares: Non-Finnish European, 0.11%; 5 homozygotes.

Submissions (5):

Labcorp Genetics (formerly Invitae), Labcorp
Classification: Benign. Last evaluated: 2026-01-27. Review status: criteria provided, single submitter. Criteria: Invitae Variant Classification Sherloc (09022015). Collection method: clinical testing. Allele origin: germline.

Mayo Clinic Laboratories, Mayo Clinic
Classification: Likely benign. Last evaluated: 2025-06-18. Review status: criteria provided, single submitter. Criteria: ACMG Guidelines, 2015. Collection method: clinical testing. Allele origin: germline. Observed: 2 variant alleles.
Comment: BP4, BP7

Blueprint Genetics
Classification: Likely benign. Last evaluated: 2024-11-21. Review status: criteria provided, single submitter. Criteria: ACMG Guidelines, 2015. Collection method: clinical testing. Allele origin: germline.

CeGaT Center for Human Genetics Tuebingen
Classification: Likely benign. Last evaluated: 2022-03-01. Review status: criteria provided, single submitter. Criteria: CeGaT Center For Human Genetics Tuebingen Variant Classification Criteria Version 2. Collection method: clinical testing. Allele origin: germline. Affected: yes. Observed: 1 variant allele.
Comment: NAF1: BP4, BP7

Breakthrough Genomics
Classification: Likely benign. Review status: criteria provided, single submitter. Criteria: ACMG Guidelines, 2015. Collection method: not provided. Allele origin: germline. Inheritance: Unknown mechanism. Affected: yes.

NM_138386.3(NAF1):c.234C>G (p.Thr78=)

Gene: NAF1 (nuclear assembly factor 1 ribonucleoprotein; minus strand). Cytogenetic location: 4q32.2.
Variant type: single nucleotide variant.
Coding change: c.234C>G on transcript NM_138386.3 (MANE Select); coding-DNA position 234, C replaced by G.
Protein change: p.Thr78=; no amino-acid change (threonine 78 retained).
Molecular consequence: synonymous variant.
Genome position (GRCh38, 1-based): chr4:163,166,494, G>C on the plus strand (C>G on the coding strand, the complement: NAF1 is on the minus strand). VCF-style: chr4-163166494-G-C. GRCh37 (hg19) VCF-style: chr4-164087646-G-C.
Other names: p.Thr78=; c.234C>G, p.Thr78= (NM_001128931.2).
Identifiers: ClinVar variation 1675969 (VCV001675969.40), dbSNP rs528291320, ClinGen allele CA3126450.